The following is an entry in ClinVar:

ClinVar aggregate classification (germline): Uncertain significance. Review status: criteria provided, multiple submitters, no conflicts (2 of 4 stars). 4 submissions from 4 submitters: Uncertain significance (4). Last evaluated 2024-09-23.

Conditions:
Hereditary cancer-predisposing syndrome. Also called: Hereditary neoplastic syndrome; Neoplastic Syndromes, Hereditary; Hereditary Cancer Syndrome; Tumor predisposition. Identifiers: Orphanet 140162, MedGen C0027672, MeSH D009386, MONDO:0015356.
Tuberous sclerosis syndrome (TSC). Also called: Tuberous sclerosis; Tuberous Sclerosis Complex. Identifiers: Orphanet 805, MedGen C0041341, MONDO:0001734.
Tuberous sclerosis 2 (TSC2). Identifiers: Orphanet 805, MedGen C1860707, MONDO:0013199, OMIM 613254.

Allele frequency attached by ClinVar (database versions not stated): gnomAD exomes below 0.00001.
gnomAD v4.1: 4 of 1,602,508 alleles (0.00025%); highest among the groups gnomAD compares: Non-Finnish European, 0.00034%; no homozygotes.

Submissions (4):

Ambry Genetics
Classification: Uncertain significance for Hereditary cancer-predisposing syndrome. Last evaluated: 2024-09-23. Review status: criteria provided, single submitter. Criteria: Ambry Variant Classification Scheme 2023. Collection method: clinical testing. Allele origin: germline.
Comment: The c.5422T>A variant (also known as p.*1808Rext*19), located in coding exon 41 of the TSC2 gene, results from a T to A substitution at nucleotide position 5422. This alteration disrupts the stop codon of the TSC2 gene and is predicted to preserve the native sequence while resulting in the elongation of the protein by 19 amino acids. The exact functional effect of the additional amino acids is unknown. Based on the available evidence, the clinical significance of this variant remains unclear.

All of Us Research Program, National Institutes of Health
Classification: Uncertain significance for Tuberous sclerosis syndrome. Last evaluated: 2023-10-23. Review status: criteria provided, single submitter. Criteria: ACMG Guidelines, 2015. Collection method: clinical testing. Allele origin: germline. Inheritance: Autosomal dominant inheritance. Observed: 1 variant allele, 1 heterozygote.
Comment: This variant changes the translational stop signal of the TSC2 gene to arginine. Translation read-through is expected to extend the length of the TSC2 protein by 19 additional amino acids. To our knowledge, functional studies have not been reported for this variant. This variant has not been reported in individuals affected with TSC2-related disorders in the literature. This variant has not been identified in the general population by the Genome Aggregation Database (gnomAD). The available evidence is insufficient to determine the role of this variant in disease conclusively. Therefore, this variant is classified as a Variant of Uncertain Significance.

This study involves interpretation of variants in research participants for the purpose of population health screening. Participant phenotype was not available at the time of variant classification. Additional details can be found in publication PMID: 35346344, PMCID: PMC8962531

Labcorp Genetics (formerly Invitae), Labcorp
Classification: Uncertain significance for Tuberous sclerosis 2. Last evaluated: 2023-05-07. Review status: criteria provided, single submitter. Criteria: Invitae Variant Classification Sherloc (09022015). Collection method: clinical testing. Allele origin: germline.
Comment: In summary, the available evidence is currently insufficient to determine the role of this variant in disease. Therefore, it has been classified as a Variant of Uncertain Significance. ClinVar contains an entry for this variant (Variation ID: 573246). This variant has not been reported in the literature in individuals affected with TSC2-related conditions. This variant is not present in population databases (gnomAD no frequency). This sequence change disrupts the translational stop signal of the TSC2 mRNA. It is expected to extend the length of the TSC2 protein by 19 additional amino acid residues.

Genome-Nilou Lab
Classification: Uncertain significance for Tuberous sclerosis 2. Last evaluated: 2021-11-07. Review status: criteria provided, single submitter. Criteria: ACMG Guidelines, 2015. Collection method: clinical testing. Allele origin: germline. Affected: no.

NM_000548.5(TSC2):c.5422T>A (p.Ter1808Arg)

Gene: TSC2 (TSC complex subunit 2; plus strand). Cytogenetic location: 16p13.3.
Variant type: single nucleotide variant.
Coding change: c.5422T>A on transcript NM_000548.5 (MANE Select); coding-DNA position 5422, T replaced by A.
Protein change: p.Ter1808Arg.
Molecular consequence: stop lost.
Genome position (GRCh38, 1-based): chr16:2,088,608, T>A. VCF-style: chr16-2088608-T-A. GRCh37 (hg19) VCF-style: chr16-2138609-T-A.
Other names: *1808R; *1693R; *1765R; *1705R; *1742R; *1752R; *1785R; *1761R; and 13 more.
Identifiers: ClinVar variation 573246 (VCV000573246.17), dbSNP rs1567135442, ClinGen allele CA394316328.
Genomic context (GRCh38, chr16:2,088,608, plus strand): 5'-TATGAGGTGGGCCAGCGGAAGCGCCTCATCTCCTCGGTGGAGGACTTCACCGAGTTTGTG[T>A]GAGGCCGGGGCCCTCCCTCCTGCACTGGCCTTGGACGGTATTGCCTGTCAGTGAAATAAA-3'